The following is an entry in ClinVar:

NM_001042603.3(KDM5A):c.3006A>G (p.Arg1002=)

Gene: KDM5A (lysine demethylase 5A; minus strand). Cytogenetic location: 12p13.33.
Variant type: single nucleotide variant.
Coding change: c.3006A>G on transcript NM_001042603.3 (MANE Select); coding-DNA position 3006, A replaced by G.
Protein change: p.Arg1002=; no amino-acid change (arginine 1002 retained).
Molecular consequence: synonymous variant.
Genome position (GRCh38, 1-based): chr12:313,086, T>C on the plus strand (A>G on the coding strand, the complement: KDM5A is on the minus strand). VCF-style: chr12-313086-T-C. GRCh37 (hg19) VCF-style: chr12-422252-T-C.
Identifiers: ClinVar variation 3771218 (VCV003771218.13).

ClinVar aggregate classification (germline): Likely benign (1 of 4 stars; one submission).

gnomAD v4.1: 70 of 1,614,054 alleles (0.0043%); highest among the groups gnomAD compares: Middle Eastern, 0.016%; no homozygotes.

Submission:

CeGaT Center for Human Genetics Tuebingen
Classification: Likely benign. Last evaluated: 2025-01-01. Review status: criteria provided, single submitter. Criteria: CeGaT Center For Human Genetics Tuebingen Variant Classification Criteria Version 2. Collection method: clinical testing. Allele origin: germline. Affected: yes. Observed: 1 variant allele.
Comment: KDM5A: BP4, BP7